The following is an entry in ClinVar:

NM_000492.4(CFTR):c.1720C>T (p.Pro574Ser)

Gene: CFTR (CF transmembrane conductance regulator; plus strand). Cytogenetic location: 7q31.2.
Variant type: single nucleotide variant.
Coding change: c.1720C>T on transcript NM_000492.4 (MANE Select); coding-DNA position 1720, C replaced by T.
Protein change: p.Pro574Ser; replaces proline 574 with serine.
Molecular consequence: missense variant.
Genome position (GRCh38, 1-based): chr7:117,590,393, C>T. VCF-style: chr7-117590393-C-T. GRCh37 (hg19) VCF-style: chr7-117230447-C-T.
Other names: short protein forms P574S.
Identifiers: ClinVar variation 53359 (VCV000053359.9), dbSNP rs397508283, ClinGen allele CA326632.

ClinVar aggregate classification (germline): Pathogenic. Review status: criteria provided, multiple submitters, no conflicts (2 of 4 stars). 3 submissions from 3 submitters: Pathogenic (2). 1 of the submissions does not count toward it. Last evaluated 2021-07-18.

Conditions:
Cystic fibrosis (CF). Also called: MUCOVISCIDOSIS. Identifiers: Orphanet 586, MedGen C0010674, MONDO:0009061, OMIM 219700. Disease mechanism: loss of function.

Submissions (3):

Labcorp Genetics (formerly Invitae), Labcorp
Classification: Pathogenic for Cystic fibrosis. Last evaluated: 2021-07-18. Review status: criteria provided, single submitter. Criteria: Invitae Variant Classification Sherloc (09022015). Collection method: clinical testing. Allele origin: germline.
Comment: For these reasons, this variant has been classified as Pathogenic. This variant disrupts the p.Pro574 amino acid residue in CFTR. Other variant(s) that disrupt this residue have been determined to be pathogenic (PMID: 10923036,9239681,2236053, 21594800, 29805046). This suggests that this residue is clinically significant, and that variants that disrupt this residue are likely to be disease-causing. Experimental studies have shown that this variant affects CFTR protein function (PMID: 21708286). This variant has been observed in individual(s) with CFTR-related conditions (PMID: 21708286). It has also been observed to segregate with disease in related individuals. ClinVar contains an entry for this variant (Variation ID: 53359). This variant is not present in population databases (ExAC no frequency). This sequence change replaces proline with serine at codon 574 of the CFTR protein (p.Pro574Ser). The proline residue is highly conserved and there is a moderate physicochemical difference between proline and serine.

Kariminejad - Najmabadi Pathology & Genetics Center
Classification: Pathogenic for Cystic fibrosis. Review status: criteria provided, single submitter. Criteria: ACMG Guidelines, 2015. Collection method: clinical testing. Allele origin: germline. Affected: no.

ClinVar Staff, National Center for Biotechnology Information (NCBI)
No classification provided. Condition: CFTR-related disorders. Review status: no classification provided. Collection method: literature only. Allele origin: germline. Affected: yes. Not counted in ClinVar's aggregate classification.

Literature cited by the submitters: PubMed 10923036 (cited by Labcorp Genetics (formerly Invitae), Labcorp); PubMed 9239681 (cited by Labcorp Genetics (formerly Invitae), Labcorp); PubMed 2236053 (cited by Labcorp Genetics (formerly Invitae), Labcorp); PubMed 21594800 (cited by Labcorp Genetics (formerly Invitae), Labcorp); PubMed 29805046 (cited by Labcorp Genetics (formerly Invitae), Labcorp); PubMed 21708286 (cited by Labcorp Genetics (formerly Invitae), Labcorp); PubMed 20059485 (cited by ClinVar Staff, National Center for Biotechnology Information (NCBI)).